The following is an entry in ClinVar:

NM_144997.7(FLCN):c.1198G>C (p.Val400Leu)

Gene: FLCN (folliculin; minus strand). Cytogenetic location: 17p11.2.
Variant type: single nucleotide variant.
Coding change: c.1198G>C on transcript NM_144997.7 (MANE Select); coding-DNA position 1198, G replaced by C.
Protein change: p.Val400Leu; replaces valine 400 with leucine.
Molecular consequence: missense variant.
Genome position (GRCh38, 1-based): chr17:17,216,482, C>G on the plus strand (G>C on the coding strand, the complement: FLCN is on the minus strand). VCF-style: chr17-17216482-C-G. GRCh37 (hg19) VCF-style: chr17-17119796-C-G.
Other names: c.1252G>C, p.Val418Leu (NM_001353229.2); c.1198G>C, p.Val400Leu (NM_001353230.2, NM_001353231.2); short protein forms V400L, V418L.
Identifiers: ClinVar variation 3515633 (VCV003515633.1).

ClinVar aggregate classification (germline): Uncertain significance (1 of 4 stars; one submission).

Conditions:
Hereditary cancer-predisposing syndrome. Also called: Tumor predisposition; Neoplastic Syndromes, Hereditary; Hereditary Cancer Syndrome; Hereditary neoplastic syndrome. Identifiers: Orphanet 140162, MedGen C0027672, MeSH D009386, MONDO:0015356.

Submission:

Ambry Genetics
Classification: Uncertain significance for Hereditary cancer-predisposing syndrome. Last evaluated: 2024-08-03. Review status: criteria provided, single submitter. Criteria: Ambry Variant Classification Scheme 2023. Collection method: clinical testing. Allele origin: germline.
Comment: The p.V400L variant (also known as c.1198G>C), located in coding exon 8 of the FLCN gene, results from a G to C substitution at nucleotide position 1198. The valine at codon 400 is replaced by leucine, an amino acid with highly similar properties. This amino acid position is conserved. In addition, this alteration is predicted to be deleterious by in silico analysis. Based on the available evidence, the clinical significance of this variant remains unclear.